The following is an entry in ClinVar:

ClinVar aggregate classification (germline): Pathogenic (1 of 4 stars; one submission).

Conditions:
Mendelian susceptibility to mycobacterial diseases due to complete IL12RB1 deficiency. Also called: IL12RB1 DEFICIENCY; Immunodeficiency 30. Identifiers: Orphanet 319552, MedGen C4013949, MONDO:0013955, OMIM 614891.

Allele frequency attached by ClinVar (database versions not stated): TOPMed 0.00001.
gnomAD v4.1: 2 of 1,611,808 alleles (0.00012%); highest among the groups gnomAD compares: Non-Finnish European, 0.00017%; no homozygotes.

Submission:

Labcorp Genetics (formerly Invitae), Labcorp
Classification: Pathogenic for Mendelian susceptibility to mycobacterial diseases due to complete IL12RB1 deficiency. Last evaluated: 2025-07-29. Review status: criteria provided, single submitter. Criteria: Invitae Variant Classification Sherloc (09022015). Collection method: clinical testing. Allele origin: germline.
Comment: This sequence change creates a premature translational stop signal (p.Gln499*) in the IL12RB1 gene. It is expected to result in an absent or disrupted protein product. Loss-of-function variants in IL12RB1 are known to be pathogenic (PMID: 9603733, 12591909). This variant is present in population databases (no rsID available, gnomAD 0.002%). This variant has not been reported in the literature in individuals affected with IL12RB1-related conditions. ClinVar contains an entry for this variant (Variation ID: 1075342). Algorithms developed to predict the effect of sequence changes on RNA splicing suggest that this variant may disrupt the consensus splice site. For these reasons, this variant has been classified as Pathogenic.

Literature cited by the submitters: PubMed 9603733; PubMed 12591909.

NM_005535.3(IL12RB1):c.1495C>T (p.Gln499Ter)

Gene: IL12RB1 (interleukin 12 receptor subunit beta 1; minus strand). Cytogenetic location: 19p13.11.
Variant type: single nucleotide variant.
Coding change: c.1495C>T on transcript NM_005535.3 (MANE Select); coding-DNA position 1495, C replaced by T.
Protein change: p.Gln499Ter; replaces glutamine 499 with a stop codon.
Molecular consequence: nonsense.
Genome position (GRCh38, 1-based): chr19:18,063,999, G>A on the plus strand (C>T on the coding strand, the complement: IL12RB1 is on the minus strand). VCF-style: chr19-18063999-G-A. GRCh37 (hg19) VCF-style: chr19-18174809-G-A.
Other names: c.1495C>T, p.Gln499Ter (NM_001290023.2); c.1615C>T, p.Gln539Ter (NM_001290024.2); short protein forms Q499*, Q539*.
Identifiers: ClinVar variation 1075342 (VCV001075342.7), dbSNP rs781736642, ClinGen allele CA404776485.